The following is an entry in ClinVar:

ClinVar aggregate classification (germline): Uncertain significance. Review status: criteria provided, multiple submitters, no conflicts (2 of 4 stars). 2 submissions from 2 submitters: Uncertain significance (2). Last evaluated 2025-05-15.

Conditions:
Hypercholesterolemia, familial, 1. Also called: HYPERCHOLESTEROLEMIA, FAMILIAL, MODIFIER OF; LDL RECEPTOR DISORDER; Hyperlipoproteinemia Type IIa; HYPER-LOW-DENSITY-LIPOPROTEINEMIA; HYPERCHOLESTEROLEMIC XANTHOMATOSIS, FAMILIAL; Fredrickson type IIa hyperlipoproteinemia. Identifiers: Orphanet 391665, MedGen C0745103, MONDO:0007750, OMIM 143890.

Allele frequency attached by ClinVar (database versions not stated): gnomAD exomes below 0.00001; TOPMed 0.00001.
gnomAD v4.1: 2 of 1,614,142 alleles (0.00012%); highest among the groups gnomAD compares: Non-Finnish European, 0.00017%; no homozygotes.

Submissions (2):

GeneDx
Classification: Uncertain significance. Last evaluated: 2025-05-15. Review status: criteria provided, single submitter. Criteria: GeneDx Variant Classification Process June 2021. Collection method: clinical testing. Allele origin: germline. Affected: yes.
Comment: Not observed at significant frequency in large population cohorts (gnomAD); In silico analysis supports that this missense variant has a deleterious effect on protein structure/function; Also known as S3429F; This variant is associated with the following publications: (PMID: 33303402)

Robarts Research Institute, Western University
Classification: Uncertain significance for Hypercholesterolemia, familial, 1. Last evaluated: 2018-01-02. Review status: criteria provided, single submitter. Criteria: ACMG Guidelines, 2015. Collection method: clinical testing. Allele origin: germline. Inheritance: Autosomal dominant inheritance. Affected: yes.

NM_000384.3(APOB):c.10367C>T (p.Ser3456Phe)

Gene: APOB (apolipoprotein B; minus strand). Cytogenetic location: 2p24.1.
Variant type: single nucleotide variant.
Coding change: c.10367C>T on transcript NM_000384.3 (MANE Select); coding-DNA position 10367, C replaced by T.
Protein change: p.Ser3456Phe; replaces serine 3456 with phenylalanine.
Molecular consequence: missense variant.
Genome position (GRCh38, 1-based): chr2:21,006,501, G>A on the plus strand (C>T on the coding strand, the complement: APOB is on the minus strand). VCF-style: chr2-21006501-G-A. GRCh37 (hg19) VCF-style: chr2-21229373-G-A.
Other names: short protein forms S3456F.
Identifiers: ClinVar variation 548032 (VCV000548032.2), dbSNP rs1217782046, ClinGen allele CA345986687.